The following is an entry in ClinVar:

NM_001231.5(CASQ1):c.544C>T (p.Leu182Phe)

Gene: CASQ1 (calsequestrin 1; plus strand). Cytogenetic location: 1q23.2.
Variant type: single nucleotide variant.
Coding change: c.544C>T on transcript NM_001231.5 (MANE Select); coding-DNA position 544, C replaced by T.
Protein change: p.Leu182Phe; replaces leucine 182 with phenylalanine.
Molecular consequence: missense variant.
Genome position (GRCh38, 1-based): chr1:160,195,090, C>T. VCF-style: chr1-160195090-C-T. GRCh37 (hg19) VCF-style: chr1-160164880-C-T.
Other names: c.544C>T (NM_001231.4); short protein forms L182F.
Identifiers: ClinVar variation 1486550 (VCV001486550.10), dbSNP rs770179304, ClinGen allele CA1196226.
Genomic context (GRCh38, chr1:160,195,090, plus strand): 5'-GAATTGATTGAAGGTGAACGAGAGCTGCAGGCGTTTGAGAATATTGAGGATGAGATCAAA[C>T]TCATTGGCTACTTCAAGAGCAAAGACTCAGAGCGTGGGTAACCCTCAGACTCCACTGTGC-3'
Protein context (NP_001222.3, residues 172-192): AFENIEDEIK[Leu182Phe]IGYFKSKDSE

ClinVar aggregate classification (germline): Uncertain significance. Review status: criteria provided, multiple submitters, no conflicts (2 of 4 stars). 2 submissions from 2 submitters: Uncertain significance (2). Last evaluated 2025-05-13.

Conditions:
Inborn genetic diseases. Identifiers: MedGen C0950123, MeSH D030342.

Allele frequency attached by ClinVar (database versions not stated): gnomAD exomes 0.00001 and 0.00002; ExAC 0.00003; gnomAD 0.00005 and 0.00006; TOPMed 0.00005.
gnomAD v4.1: 19 of 1,612,492 alleles (0.0012%); highest among the groups gnomAD compares: African/African-American, 0.013%; no homozygotes.

Submissions (2):

Labcorp Genetics (formerly Invitae), Labcorp
Classification: Uncertain significance. Last evaluated: 2025-05-13. Review status: criteria provided, single submitter. Criteria: Invitae Variant Classification Sherloc (09022015). Collection method: clinical testing. Allele origin: germline.
Comment: This sequence change replaces leucine, which is neutral and non-polar, with phenylalanine, which is neutral and non-polar, at codon 182 of the CASQ1 protein (p.Leu182Phe). This variant is present in population databases (rs770179304, gnomAD 0.03%). This variant has not been reported in the literature in individuals affected with CASQ1-related conditions. ClinVar contains an entry for this variant (Variation ID: 1486550). Invitae Evidence Modeling of protein sequence and biophysical properties (such as structural, functional, and spatial information, amino acid conservation, physicochemical variation, residue mobility, and thermodynamic stability) indicates that this missense variant is not expected to disrupt CASQ1 protein function with a negative predictive value of 80%. In summary, the available evidence is currently insufficient to determine the role of this variant in disease. Therefore, it has been classified as a Variant of Uncertain Significance.

Ambry Genetics
Classification: Uncertain significance for Inborn genetic diseases. Last evaluated: 2023-02-16. Review status: criteria provided, single submitter. Criteria: Ambry Variant Classification Scheme 2023. Collection method: clinical testing. Allele origin: germline.